The following is an entry in ClinVar:

NM_001039141.3(TRIOBP):c.4418C>T (p.Pro1473Leu)

Gene: TRIOBP (TRIO and F-actin binding protein; plus strand). Cytogenetic location: 22q13.1.
Variant type: single nucleotide variant.
Coding change: c.4418C>T on transcript NM_001039141.3 (MANE Select); coding-DNA position 4418, C replaced by T.
Protein change: p.Pro1473Leu; replaces proline 1473 with leucine.
Molecular consequence: missense variant.
Genome position (GRCh38, 1-based): chr22:37,734,754, C>T. VCF-style: chr22-37734754-C-T. GRCh37 (hg19) VCF-style: chr22-38130761-C-T.
Other names: c.4418C>T (NM_001039141.2); short protein forms P1473L.
Identifiers: ClinVar variation 2200074 (VCV002200074.4), dbSNP rs866954336, ClinGen allele CA324141888.

ClinVar aggregate classification (germline): Uncertain significance. Review status: criteria provided, multiple submitters, no conflicts (2 of 4 stars). 2 submissions from 2 submitters: Uncertain significance (2). Last evaluated 2025-01-30.

Allele frequency attached by ClinVar (database versions not stated): gnomAD exomes 0.00001; gnomAD 0.00001; TOPMed 0.00004.
gnomAD v4.1: 25 of 1,611,438 alleles (0.0016%); highest among the groups gnomAD compares: Middle Eastern, 0.016%; no homozygotes.

Submissions (2):

GeneDx
Classification: Uncertain significance. Last evaluated: 2025-01-30. Review status: criteria provided, single submitter. Criteria: GeneDx Variant Classification Process June 2021. Collection method: clinical testing. Allele origin: germline.
Comment: Not observed at significant frequency in large population cohorts (gnomAD); In silico analysis indicates that this missense variant does not alter protein structure/function; Has not been previously published as pathogenic or benign to our knowledge

Labcorp Genetics (formerly Invitae), Labcorp
Classification: Uncertain significance. Last evaluated: 2023-06-26. Review status: criteria provided, single submitter. Criteria: Invitae Variant Classification Sherloc (09022015). Collection method: clinical testing. Allele origin: germline.
Comment: Algorithms developed to predict the effect of missense changes on protein structure and function output the following: SIFT: "Not Available"; PolyPhen-2: "Benign"; Align-GVGD: "Not Available". The leucine amino acid residue is found in multiple mammalian species, which suggests that this missense change does not adversely affect protein function. In summary, the available evidence is currently insufficient to determine the role of this variant in disease. Therefore, it has been classified as a Variant of Uncertain Significance. ClinVar contains an entry for this variant (Variation ID: 2200074). This variant has not been reported in the literature in individuals affected with TRIOBP-related conditions. The frequency data for this variant in the population databases is considered unreliable, as metrics indicate poor data quality at this position in the gnomAD database. This sequence change replaces proline, which is neutral and non-polar, with leucine, which is neutral and non-polar, at codon 1473 of the TRIOBP protein (p.Pro1473Leu).